The following is an entry in ClinVar:

ClinVar aggregate classification (germline): Uncertain significance. Review status: criteria provided, multiple submitters, no conflicts (2 of 4 stars). 2 submissions from 2 submitters: Uncertain significance (2). Last evaluated 2026-01-18.

Allele frequency attached by ClinVar (database versions not stated): TOPMed 0.00030; ESP Exome Variant Server 0.00031; gnomAD 0.00031; ExAC 0.00032; 1000 Genomes Project 0.00040; gnomAD exomes 0.00041; 1000 Genomes Project 30x 0.00047.
gnomAD v4.1: 626 of 1,560,208 alleles (0.04%); highest among the groups gnomAD compares: Non-Finnish European, 0.05%; no homozygotes.

Submissions (2):

Labcorp Genetics (formerly Invitae), Labcorp
Classification: Uncertain significance. Last evaluated: 2026-01-18. Review status: criteria provided, single submitter. Criteria: Invitae Variant Classification Sherloc (09022015). Collection method: clinical testing. Allele origin: germline.
Comment: This sequence change replaces alanine, which is neutral and non-polar, with valine, which is neutral and non-polar, at codon 894 of the ZNF687 protein (p.Ala894Val). This variant is present in population databases (rs41270700, gnomAD 0.05%), and has an allele count higher than expected for a pathogenic variant. This variant has not been reported in the literature in individuals affected with ZNF687-related conditions. ClinVar contains an entry for this variant (Variation ID: 2049447). An algorithm developed to predict the effect of missense changes on protein structure and function (PolyPhen-2) suggests that this variant is likely to be tolerated. In summary, the available evidence is currently insufficient to determine the role of this variant in disease. Therefore, it has been classified as a Variant of Uncertain Significance.

Ambry Genetics
Classification: Uncertain significance. Last evaluated: 2024-05-07. Review status: criteria provided, single submitter. Criteria: Ambry Variant Classification Scheme 2023. Collection method: clinical testing. Allele origin: germline.

NM_020832.3(ZNF687):c.2681C>T (p.Ala894Val)

Gene: ZNF687 (zinc finger protein 687; plus strand). Cytogenetic location: 1q21.3.
Variant type: single nucleotide variant.
Coding change: c.2681C>T on transcript NM_020832.3 (MANE Select); coding-DNA position 2681, C replaced by T.
Protein change: p.Ala894Val; replaces alanine 894 with valine.
Molecular consequence: missense variant.
Genome position (GRCh38, 1-based): chr1:151,289,724, C>T. VCF-style: chr1-151289724-C-T. GRCh37 (hg19) VCF-style: chr1-151262200-C-T.
Other names: c.2681C>T, p.Ala894Val (NM_001304763.2, NM_001304764.2); short protein forms A894V.
Identifiers: ClinVar variation 2049447 (VCV002049447.6), dbSNP rs41270700, ClinGen allele CA1088626.